The following is an entry in ClinVar:

NM_000256.3(MYBPC3):c.2728C>A (p.Pro910Thr)

Gene: MYBPC3 (myosin binding protein C3; minus strand). Cytogenetic location: 11p11.2.
Variant type: single nucleotide variant.
Coding change: c.2728C>A on transcript NM_000256.3 (MANE Select); coding-DNA position 2728, C replaced by A.
Protein change: p.Pro910Thr; replaces proline 910 with threonine.
Molecular consequence: missense variant.
Genome position (GRCh38, 1-based): chr11:47,335,886, G>T on the plus strand (C>A on the coding strand, the complement: MYBPC3 is on the minus strand). VCF-style: chr11-47335886-G-T. GRCh37 (hg19) VCF-style: chr11-47357437-G-T.
Other names: p.P910T:CCA>ACA; short protein forms P910T.
Identifiers: ClinVar variation 42656 (VCV000042656.67), dbSNP rs397515985, ClinGen allele CA012881.

ClinVar aggregate classification (germline): Conflicting classifications of pathogenicity. Review status: criteria provided, conflicting classifications (1 of 4 stars). 19 submissions from 18 submitters: Uncertain significance (13); Likely benign (6). Last evaluated 2026-09-16.

Conditions:
MYBPC3-related disorder. Also called: MYBPC3-related disorders; MYBPC3-related condition; MYBPC3-related disease.
Left ventricular noncompaction 10 (LVNC10). Identifiers: Orphanet 154, Orphanet 54260, MedGen C3715165, MONDO:0014163, OMIM 615396.
Cardiovascular phenotype. Identifiers: MedGen CN230736.
Cardiomyopathy (CMYO). Also called: Cardiomyopathies. Identifiers: Orphanet 167848, MedGen C0878544, MONDO:0004994, HP:0001638. Inheritance: Various modes of inheritance.
Primary familial hypertrophic cardiomyopathy (HCM). Identifiers: Orphanet 99739, MedGen C0949658, MeSH D024741, MONDO:0024573. Inheritance: Various modes of inheritance.
Hypertrophic cardiomyopathy 4. Also called: Familial hypertrophic cardiomyopathy 4. Identifiers: MedGen C1861862, MONDO:0007268, OMIM 115197.
Hypertrophic cardiomyopathy. Also called: HYPERTROPHIC MYOCARDIOPATHY. Identifiers: Orphanet 217569, MedGen C0007194, MeSH D002312, MONDO:0005045, HP:0001639.

Allele frequency attached by ClinVar (database versions not stated): gnomAD exomes 0.00013 and 0.00026; 1000 Genomes Project 30x 0.00016; TOPMed 0.00017; 1000 Genomes Project 0.00020; gnomAD 0.00020 and 0.00021; ExAC 0.00039.
gnomAD v4.1: 379 of 1,526,178 alleles (0.025%); highest among the groups gnomAD compares: Non-Finnish European, 0.032%; no homozygotes.

Submissions 1 to 12 of 19:

PreventionGenetics, part of Exact Sciences
Classification: Uncertain significance for MYBPC3-related condition. Last evaluated: 2026-09-16. Review status: criteria provided, single submitter. Criteria: ACMG Guidelines, 2015. Collection method: clinical testing. Allele origin: germline.
Comment: The MYBPC3 c.2728C>A variant is predicted to result in the amino acid substitution p.Pro910Thr. This variant has been reported alone or with a second MYBPC3 variant in individuals with hypertrophic cardiomyopathy (Olivotto et al. 2008. PubMed ID: 18533079; Berge et al. 2014. PubMed ID: 24111713; Table S8, McGurk et al. 2023. PubMed ID: 37652022); however, it has also been detected in controls (Table S8, McGurk et al. 2023. PubMed ID: 37652022). This variant has also been described in an individual with dilated cardiomyopathy who also carried a variant in TNNC1 (Pinto et al. 2011. PubMed ID: 21832052). It is reported in 0.034% of alleles in individuals of European (non-Finnish) descent in gnomAD and has conflicting interpretations regarding its pathogenicity in ClinVar, ranging from likely benign to uncertain (Variation ID: 42656). At this time, the clinical significance of this variant is uncertain due to the absence of conclusive functional and genetic evidence.

Labcorp Genetics (formerly Invitae), Labcorp
Classification: Uncertain significance for Hypertrophic cardiomyopathy. Last evaluated: 2026-02-03. Review status: criteria provided, single submitter. Criteria: Invitae Variant Classification Sherloc (09022015). Collection method: clinical testing. Allele origin: germline.
Comment: This sequence change replaces proline, which is neutral and non-polar, with threonine, which is neutral and polar, at codon 910 of the MYBPC3 protein (p.Pro910Thr). This variant is present in population databases (rs397515985, gnomAD 0.03%), and has an allele count higher than expected for a pathogenic variant. This missense change has been observed in individual(s) with MYBPC3-related conditions (PMID: 20215591, 21499742, 21835320, 22361390, 24111713, 25351510, 26914223, 37652022). ClinVar contains an entry for this variant (Variation ID: 42656). An algorithm developed to predict the effect of missense changes on protein structure and function (PolyPhen-2) suggests that this variant is likely to be tolerated. In summary, the available evidence is currently insufficient to determine the role of this variant in disease. Therefore, it has been classified as a Variant of Uncertain Significance.

Molecular Diagnostic Laboratory for Inherited Cardiovascular Disease, Montreal Heart Institute
Classification: Uncertain significance for Cardiovascular phenotype. Last evaluated: 2025-04-08. Review status: criteria provided, single submitter. Criteria: ACMG Guidelines, 2015. Collection method: clinical testing. Allele origin: germline. Affected: yes.
Comment: BP4

Color Diagnostics, LLC DBA Color Health
Classification: Likely benign for Cardiomyopathy. Last evaluated: 2025-03-31. Review status: criteria provided, single submitter. Criteria: ACMG Guidelines, 2015. Collection method: clinical testing. Allele origin: germline.

All of Us Research Program, National Institutes of Health
Classification: Uncertain significance for Hypertrophic cardiomyopathy. Last evaluated: 2024-09-23. Review status: criteria provided, single submitter. Criteria: ACMG Guidelines, 2015. Collection method: clinical testing. Allele origin: germline. Inheritance: Autosomal dominant inheritance. Observed: 91 variant alleles, 91 heterozygotes.
Comment: This missense variant replaces proline with threonine at codon 910 of the MYBPC3 protein. Computational prediction tools indicate that this variant has a neutral impact on protein structure and function. To our knowledge, functional studies have not been reported for this variant. This variant has been reported in individuals affected with hypertrophic cardiomyopathy (PMID: 21835320, 24111713, 26914223), dilated cardiomyopathy (PMID: 20215591), sudden cardiac death (PMID: 21499742), and sudden infant death syndrome (PMID: 22361390). One individual with hypertrophic cardiomyopathy had a different pathogenic variant in the same gene (PMID: 21835320). This variant has been identified in 25/172572 chromosomes in the general population by the Genome Aggregation Database (gnomAD). The elevated variant allele frequency in the general population indicates that this variant may not be disease-causing. However, additional studies are necessary to determine the role of this variant in disease conclusively. Therefore, this variant is classified as a Variant of Uncertain Significance.

This study involves interpretation of variants in research participants for the purpose of population health screening. Participant phenotype was not available at the time of variant classification. Additional details can be found in publication PMID: 35346344, PMCID: PMC8962531

Women's Health and Genetics/Laboratory Corporation of America, LabCorp
Classification: Likely benign. Last evaluated: 2024-08-09. Review status: criteria provided, single submitter. Criteria: LabCorp Variant Classification Summary - May 2015. Collection method: clinical testing. Allele origin: germline.
Comment: Variant summary: MYBPC3 c.2728C>A (p.Pro910Thr) results in a non-conservative amino acid change located in the Fibronectin type III (IPR003961) of the encoded protein sequence. Four of five in-silico tools predict a benign effect of the variant on protein function. The variant allele was found at a frequency of 0.00013 in 141174 control chromosomes, predominantly at a frequency of 0.00032 within the Non-Finnish European subpopulation in the gnomAD database. The observed variant frequency within Non-Finnish European control individuals in the gnomAD database is approximately 10-fold of the estimated maximal expected allele frequency for a pathogenic variant in MYBPC3 causing Dilated Cardiomyopathy phenotype (3.1e-05). c.2728C>A has been reported in the literature in individuals affected with Dilated Cardiomyopathy (Pinto_2011), Hypertrophic cardiomyopathy (Olivotto_2008), and syncopal episodes with family history of sudden cardiac death (Allegue_2011). A recent large cohort of cross-sectional study based on UK biobank and gnomAD samples reported a similar distribution of this variant in the HCM cohort and controls (allele frequency of 0.00028 in HCM vs. 0.00023 in controls) with a penetrance of 0.002 (McGurk_2023). These data do not allow any conclusion about variant significance. At least one publication reports experimental evidence evaluating an impact on protein function. These results showed no damaging effect of this variant in protein stability by measuing melting temperature in E. coli (Suay-Corredera_2021). The following publications have been ascertained in the context of this evaluation (PMID: 21499742, 37652022, 21835320, 21832052, 34097875). ClinVar contains an entry for this variant (Variation ID: 42656). Based on the evidence outlined above, the variant was classified as likely benign.

Mayo Clinic Laboratories, Mayo Clinic
Classification: Uncertain significance. Last evaluated: 2024-07-19. Review status: criteria provided, single submitter. Criteria: ACMG Guidelines, 2015. Collection method: clinical testing. Allele origin: germline. Observed: 1 variant allele.
Comment: BS1

CeGaT Center for Human Genetics Tuebingen
Classification: Likely benign. Last evaluated: 2024-02-01. Review status: criteria provided, single submitter. Criteria: CeGaT Center For Human Genetics Tuebingen Variant Classification Criteria Version 2. Collection method: clinical testing. Allele origin: germline. Affected: yes. Observed: 3 variant alleles.
Comment: MYBPC3: BP4

Blueprint Genetics
Classification: Likely benign. Last evaluated: 2023-07-12. Review status: criteria provided, single submitter. Criteria: ACMG Guidelines, 2015. Collection method: clinical testing. Allele origin: germline.

Ambry Genetics
Classification: Likely benign for Cardiovascular phenotype. Last evaluated: 2022-05-27. Review status: criteria provided, single submitter. Criteria: Ambry Variant Classification Scheme 2023. Collection method: clinical testing. Allele origin: germline.

Clinical Genetics Laboratory, Skane University Hospital Lund
Classification: Uncertain significance. Last evaluated: 2022-05-27. Review status: criteria provided, single submitter. Criteria: ACMG Guidelines, 2015. Collection method: clinical testing. Allele origin: germline. Affected: yes.

CHEO Genetics Diagnostic Laboratory, Children's Hospital of Eastern Ontario
Classification: Uncertain significance for Cardiomyopathy. Last evaluated: 2021-08-12. Review status: criteria provided, single submitter. Criteria: ACMG Guidelines, 2015. Collection method: clinical testing. Allele origin: germline.